The following is an entry in ClinVar:

NM_012208.4(HARS2):c.1403G>T (p.Gly468Val)

Gene: HARS2 (histidyl-tRNA synthetase 2, mitochondrial; plus strand). Cytogenetic location: 5q31.3.
Variant type: single nucleotide variant.
Coding change: c.1403G>T on transcript NM_012208.4 (MANE Select); coding-DNA position 1403, G replaced by T.
Protein change: p.Gly468Val; replaces glycine 468 with valine.
Molecular consequence: missense variant.
Genome position (GRCh38, 1-based): chr5:140,698,020, G>T. VCF-style: chr5-140698020-G-T. GRCh37 (hg19) VCF-style: chr5-140077605-G-T.
Other names: c.1328G>T, p.Gly443Val (NM_001278731.2); c.971G>T, p.Gly324Val (NM_001278732.2); c.1421G>T, p.Gly474Val (NM_001363535.2); c.1193G>T, p.Gly398Val (NM_001363536.2); short protein forms G324V, G398V, G443V, G468V, G474V.
Identifiers: ClinVar variation 1712610 (VCV001712610.3), dbSNP rs748402163, ClinGen allele CA128344236.
Genomic context (GRCh38, chr5:140,698,020, plus strand): 5'-AACTATTAACCCAGCTGCACTATTGTGAGAGCACAGGCATTCCACTGGTGGTCATTATTG[G>T]TGAGCAAGAACTGAAAGAAGGGGTCATCAAGATCCGTTCAGTGGCCAGCAGAGAGGAGGT-3'
Protein context (NP_036340.1, residues 458-478): STGIPLVVII[Gly468Val]EQELKEGVIK

ClinVar aggregate classification (germline): Uncertain significance (1 of 4 stars; one submission).

Allele frequency attached by ClinVar (database versions not stated): TOPMed below 0.00001; gnomAD exomes below 0.00001.

Submission:

GeneDx
Classification: Uncertain significance. Last evaluated: 2026-04-29. Review status: criteria provided, single submitter. Criteria: GeneDx Variant Classification Process June 2021. Collection method: clinical testing. Allele origin: germline.
Comment: Not observed at significant frequency in large population cohorts (gnomAD); In silico analysis supports that this missense variant has a deleterious effect on protein structure/function; Has not been previously published as pathogenic or benign to our knowledge